The following is an entry in ClinVar:

NM_001351132.2(PEX5):c.*1097T>C

Gene: PEX5 (peroxisomal biogenesis factor 5; plus strand). Cytogenetic location: 12p13.31.
Variant type: single nucleotide variant.
Coding change: c.*1097T>C on transcript NM_001351132.2 (MANE Select); 1097 bases downstream of the stop codon, T replaced by C.
Molecular consequence: 3 prime UTR variant. On other transcripts: intron variant (2).
Genome position (GRCh38, 1-based): chr12:7,211,320, T>C. VCF-style: chr12-7211320-T-C. GRCh37 (hg19) VCF-style: chr12-7363916-T-C.
Other names: c.*1097T>C (NM_000319.5, NM_001131023.2, NM_001131024.2 and 20 more transcripts); c.*19+1078T>C (NM_001131026.2, NM_001374646.1).
Identifiers: ClinVar variation 882175 (VCV000882175.4), dbSNP rs116107198, ClinGen allele CA232478457.

ClinVar aggregate classification (germline): Likely benign (1 of 4 stars; one submission).

Conditions:
Peroxisome biogenesis disorder 2A (Zellweger) (PBD2A). Also called: Cerebrohepatorenal syndrome, variant types. Identifiers: Orphanet 912, MedGen C3550273, MONDO:0008954, OMIM 214110.

Allele frequency attached by ClinVar (database versions not stated): gnomAD 0.00455 and 0.00489; 1000 Genomes Project 0.00479; 1000 Genomes Project 30x 0.00500; TOPMed 0.00517.

Submission:

Illumina Laboratory Services, Illumina
Classification: Likely benign for Peroxisome biogenesis disorder 2A (Zellweger). Last evaluated: 2018-01-12. Review status: criteria provided, single submitter. Criteria: ICSL Variant Classification Criteria 13 December 2019. Collection method: clinical testing. Allele origin: germline.
Comment: This variant was observed in the ICSL laboratory as part of a predisposition screen in an ostensibly healthy population. It had not been previously curated by ICSL or reported in the Human Gene Mutation Database (HGMD: prior to June 1st, 2018), and was therefore a candidate for classification through an automated scoring system. Utilizing variant allele frequency, disease prevalence and penetrance estimates, and inheritance mode, an automated score was calculated to assess if this variant is too frequent to cause the disease. Based on the score and internal cut-off values, a variant classified as likely benign is not then subjected to further curation. The score for this variant resulted in a classification of likely benign for this disease.